The following is an entry in ClinVar:

ClinVar aggregate classification (germline): Uncertain significance (0 of 4 stars; one submission).

Conditions:
CBL-related disorder. Also called: CBL MUTATION-ASSOCIATED SYNDROME; CBL SYNDROME; NOONAN SYNDROME-LIKE DISORDER WITHOUT JUVENILE MYELOMONOCYTIC LEUKEMIA. Identifiers: Orphanet 363972, MedGen C3150803, MONDO:0013308, OMIM 613563.

Submission:

PreventionGenetics, part of Exact Sciences
Classification: Uncertain significance for CBL-related condition. Last evaluated: 2024-03-20. Review status: no assertion criteria provided. Collection method: clinical testing. Allele origin: germline.
Comment: The CBL c.793C>T variant is predicted to result in the amino acid substitution p.His265Tyr. To our knowledge, this variant has not been reported in the literature or in a large population database, indicating this variant is rare. At this time, the clinical significance of this variant is uncertain due to the absence of conclusive functional and genetic evidence.

NM_005188.4(CBL):c.793C>T (p.His265Tyr)

Gene: CBL (Cbl proto-oncogene; plus strand). Cytogenetic location: 11q23.3.
Variant type: single nucleotide variant.
Coding change: c.793C>T on transcript NM_005188.4 (MANE Select); coding-DNA position 793, C replaced by T.
Protein change: p.His265Tyr; replaces histidine 265 with tyrosine.
Molecular consequence: missense variant.
Genome position (GRCh38, 1-based): chr11:119,274,877, C>T. VCF-style: chr11-119274877-C-T. GRCh37 (hg19) VCF-style: chr11-119145587-C-T.
Other names: short protein forms H265Y.
Identifiers: ClinVar variation 3350017 (VCV003350017.1).